The following is an entry in ClinVar:

ClinVar aggregate classification (germline): Likely pathogenic (1 of 4 stars; one submission).

Conditions:
COG5-congenital disorder of glycosylation. Also called: CONGENITAL DISORDER OF GLYCOSYLATION, TYPE IIi; COG5-CDG; CDG IIi. Identifiers: Orphanet 263487, MedGen C3150876, MONDO:0013325, OMIM 613612.

Submission:

Labcorp Genetics (formerly Invitae), Labcorp
Classification: Likely pathogenic for COG5-congenital disorder of glycosylation. Last evaluated: 2024-09-30. Review status: criteria provided, single submitter. Criteria: Invitae Variant Classification Sherloc (09022015). Collection method: clinical testing. Allele origin: germline.
Comment: This variant results in the deletion of part of exon 12 (c.1406_1406+5del) of the COG5 gene. It is expected to disrupt RNA splicing. Variants that disrupt the donor or acceptor splice site typically lead to a loss of protein function (PMID: 16199547), and loss-of-function variants in COG5 are known to be pathogenic (PMID: 23228021). This variant is present in population databases (rs752611073, gnomAD 0.007%). This variant has not been reported in the literature in individuals affected with COG5-related conditions. ClinVar contains an entry for this variant (Variation ID: 2184602). Algorithms developed to predict the effect of sequence changes on RNA splicing suggest that this variant may disrupt the consensus splice site. In summary, the currently available evidence indicates that the variant is pathogenic, but additional data are needed to prove that conclusively. Therefore, this variant has been classified as Likely Pathogenic.

Literature cited by the submitters: PubMed 16199547; PubMed 23228021.

NM_006348.5(COG5):c.1313_1313+5del

Gene: COG5 (component of oligomeric golgi complex 5; minus strand). Cytogenetic location: 7q22.3.
Variant type: Deletion.
Coding change: c.1313_1313+5del on transcript NM_006348.5 (MANE Select); coding-DNA position 1313 through 5 bases into the intron after coding-DNA position 1313, 6 bases deleted (AGTATG; older notation c.1313_1313+5delAGTATG).
Molecular consequence: splice donor variant.
Genome position (GRCh38, 1-based): chr7:107,298,137-107,298,142, CATACT deleted on the plus strand (AGTATG on the coding strand, the reverse complement: COG5 is on the minus strand); deleting any 6 consecutive bases within chr7:107,298,137-107,298,146 gives the same sequence; the c. name uses the placement nearest the transcript's 3' end. VCF-style (leftmost placement, unchanged base first): chr7-107298136-ACATACT-A. GRCh37 (hg19) VCF-style: chr7-106938581-ACATACT-A.
Other names: c.599_599+5del (NM_001379516.1); c.743_743+5del (NM_001379515.1); c.1313_1313+5del (NM_001379511.1, NM_001379512.1, NM_181733.4 and 3 more transcripts).
Identifiers: ClinVar variation 2184602 (VCV002184602.4), dbSNP rs752611073, ClinGen allele CA4430953.